The following is an entry in ClinVar:

NM_005359.6(SMAD4):c.956-4A>T

Gene: SMAD4 (SMAD family member 4; plus strand). Cytogenetic location: 18q21.2.
Variant type: single nucleotide variant.
Coding change: c.956-4A>T on transcript NM_005359.6 (MANE Select); 4 bases into the intron before coding-DNA position 956, A replaced by T.
Molecular consequence: intron variant.
Genome position (GRCh38, 1-based): chr18:51,065,419, A>T. VCF-style: chr18-51065419-A-T. GRCh37 (hg19) VCF-style: chr18-48591789-A-T.
Identifiers: ClinVar variation 762231 (VCV000762231.11), dbSNP rs1295343500, ClinGen allele CA915951535.

ClinVar aggregate classification (germline): Likely benign. Review status: criteria provided, multiple submitters, no conflicts (2 of 4 stars). 2 submissions from 2 submitters: Likely benign (2). Last evaluated 2025-03-20.

Conditions:
Juvenile polyposis syndrome (JPS). Identifiers: Orphanet 2929, MedGen C0345893, MONDO:0017380, OMIM 174900.
Juvenile polyposis/hereditary hemorrhagic telangiectasia syndrome (JPHT). Also called: JP/HHT SYNDROME; JUVENILE POLYPOSIS WITH HEREDITARY HEMORRHAGIC TELANGIECTASIA; POLYPOSIS, GENERALIZED JUVENILE, WITH PULMONARY ARTERIOVENOUS MALFORMATION; TELANGIECTASIA, HEREDITARY HEMORRHAGIC, WITH JUVENILE POLYPOSIS COLI; Juvenile Polyposis Syndrome / Hereditary Hemorrhagic Telangiectasia (JPS/HHT). Identifiers: Orphanet 2929, MedGen C1832942, MONDO:0008278, OMIM 175050.

Submissions (2):

Myriad Genetics, Inc.
Classification: Likely benign for Juvenile polyposis/hereditary hemorrhagic telangiectasia syndrome. Last evaluated: 2025-03-20. Review status: criteria provided, single submitter. Criteria: Myriad Autosomal Dominant, Autosomal Recessive and X-Linked Classification Criteria (2023). Collection method: clinical testing. Allele origin: unknown.
Comment: This variant is considered likely benign. This variant is intronic and is not expected to impact mRNA splicing.

Labcorp Genetics (formerly Invitae), Labcorp
Classification: Likely benign for Juvenile polyposis syndrome. Last evaluated: 2020-10-14. Review status: criteria provided, single submitter. Criteria: Invitae Variant Classification Sherloc (09022015). Collection method: clinical testing. Allele origin: germline.